The following is an entry in ClinVar:

NM_001378.3(DYNC1I2):c.1546C>G (p.Pro516Ala)

Gene: DYNC1I2 (dynein cytoplasmic 1 intermediate chain 2; plus strand). Cytogenetic location: 2q31.1.
Variant type: single nucleotide variant.
Coding change: c.1546C>G on transcript NM_001378.3 (MANE Select); coding-DNA position 1546, C replaced by G.
Protein change: p.Pro516Ala; replaces proline 516 with alanine.
Molecular consequence: missense variant.
Genome position (GRCh38, 1-based): chr2:171,744,058, C>G. VCF-style: chr2-171744058-C-G. GRCh37 (hg19) VCF-style: chr2-172600568-C-G.
Other names: c.1546C>G, p.Pro516Ala (NM_001271785.2); c.1522C>G, p.Pro508Ala (NM_001271786.2, NM_001271787.2); c.1468C>G, p.Pro490Ala (NM_001271788.2, NM_001271789.2, NM_001271790.2 and 1 more transcripts); c.1528C>G, p.Pro510Ala (NM_001320882.2, NM_001320883.2, NM_001378455.1 and 1 more transcripts); short protein forms P490A, P508A, P510A, P516A.
Identifiers: ClinVar variation 3053885 (VCV003053885.2), dbSNP rs767705533, ClinGen allele CA1965874.

ClinVar aggregate classification (germline): Likely benign (0 of 4 stars; one submission).

Conditions:
DYNC1I2-related disorder. Also called: DYNC1I2-related condition.

gnomAD v4.1: 247 of 1,609,448 alleles (0.015%); highest among the groups gnomAD compares: South Asian, 0.22%; 4 homozygotes.

Submission:

PreventionGenetics, part of Exact Sciences
Classification: Likely benign for DYNC1I2-related condition. Last evaluated: 2022-02-25. Review status: no assertion criteria provided. Collection method: clinical testing. Allele origin: germline.
Comment: This variant is classified as likely benign based on ACMG/AMP sequence variant interpretation guidelines (Richards et al. 2015 PMID: 25741868, with internal and published modifications).